The following is an entry in ClinVar:

NM_198253.3(TERT):c.3346G>C (p.Glu1116Gln)

Gene: TERT (telomerase reverse transcriptase; minus strand). Cytogenetic location: 5p15.33.
Variant type: single nucleotide variant.
Coding change: c.3346G>C on transcript NM_198253.3 (MANE Select); coding-DNA position 3346, G replaced by C.
Protein change: p.Glu1116Gln; replaces glutamic acid 1116 with glutamine.
Molecular consequence: missense variant. On other transcripts: non-coding transcript variant (2).
Genome position (GRCh38, 1-based): chr5:1,253,781, C>G on the plus strand (G>C on the coding strand, the complement: TERT is on the minus strand). VCF-style: chr5-1253781-C-G. GRCh37 (hg19) VCF-style: chr5-1253896-C-G.
Other names: c.3157G>C, p.Glu1053Gln (NM_001193376.3); short protein forms E1116Q, E1053Q.
Identifiers: ClinVar variation 635414 (VCV000635414.4), dbSNP rs1196160200, ClinGen allele CA359066696.

ClinVar aggregate classification (germline): Uncertain significance. Review status: criteria provided, single submitter (1 of 4 stars). 2 submissions from 2 submitters: Uncertain significance (1). 1 of the submissions does not count toward it. Last evaluated 2022-09-28.

Conditions:
Dyskeratosis congenita, autosomal dominant 2. Identifiers: MedGen C3151443, MONDO:0013521, OMIM 613989.
Idiopathic Pulmonary Fibrosis. Also called: Idiopathic fibrosing alveolitis, chronic form; idiopathic fibrosing alveolitis. Identifiers: Orphanet 2032, MedGen C1800706, MeSH D054990, MONDO:0800504.
Dyskeratosis congenita. Identifiers: Orphanet 1775, MedGen C0265965, MONDO:0015780.

Allele frequency attached by ClinVar (database versions not stated): TOPMed 0.00001.

Submissions (2):

Labcorp Genetics (formerly Invitae), Labcorp
Classification: Uncertain significance for Dyskeratosis congenita, autosomal dominant 2; Idiopathic Pulmonary Fibrosis. Last evaluated: 2022-09-28. Review status: criteria provided, single submitter. Criteria: Invitae Variant Classification Sherloc (09022015). Collection method: clinical testing. Allele origin: germline.
Comment: This sequence change replaces glutamic acid, which is acidic and polar, with glutamine, which is neutral and polar, at codon 1116 of the TERT protein (p.Glu1116Gln). This variant is not present in population databases (gnomAD no frequency). This missense change has been observed in individual(s) with clinical features of dyskeratosis congenita (PMID: 21520174, 31119896). ClinVar contains an entry for this variant (Variation ID: 635414). Algorithms developed to predict the effect of missense changes on protein structure and function output the following: SIFT: "Tolerated"; PolyPhen-2: "Benign"; Align-GVGD: "Class C0". The glutamine amino acid residue is found in multiple mammalian species, which suggests that this missense change does not adversely affect protein function. In summary, the available evidence is currently insufficient to determine the role of this variant in disease. Therefore, it has been classified as a Variant of Uncertain Significance.

Stem Cell Engineering Center, Hunan Guangxiu Hospital
Classification: Pathogenic for Dyskeratosis congenita. Last evaluated: 2018-10-08. Review status: no assertion criteria provided. Collection method: research. Allele origin: germline. Affected: yes. Observed: 4 variant alleles. Not counted in ClinVar's aggregate classification.

Literature cited by the submitters: PubMed 21520174 (cited by Labcorp Genetics (formerly Invitae), Labcorp); PubMed 31119896 (cited by Labcorp Genetics (formerly Invitae), Labcorp and Stem Cell Engineering Center, Hunan Guangxiu Hospital).